The following is an entry in ClinVar:

ClinVar aggregate classification (germline): Benign (0 of 4 stars; one submission).

Conditions:
TJP1-related disorder. Also called: TJP1-related condition.

Allele frequency attached by ClinVar (database versions not stated): gnomAD exomes 0.00107; ExAC 0.00373; 1000 Genomes Project 0.01118; 1000 Genomes Project 30x 0.01140; gnomAD 0.01183; TOPMed 0.01378; ESP Exome Variant Server 0.01406.
gnomAD v4.1: 3,411 of 1,614,098 alleles (0.21%); highest among the groups gnomAD compares: African/African-American, 4.2%; 74 homozygotes.

Submission:

PreventionGenetics, part of Exact Sciences
Classification: Benign for TJP1-related condition. Last evaluated: 2019-03-01. Review status: no assertion criteria provided. Collection method: clinical testing. Allele origin: germline.
Comment: This variant is classified as benign based on ACMG/AMP sequence variant interpretation guidelines (Richards et al. 2015 PMID: 25741868, with internal and published modifications).

NM_001330239.4(TJP1):c.3111G>C (p.Leu1037=)

Genes: TJP1 (tight junction protein 1; minus strand), LOC126862085 (P300/CBP strongly-dependent group 1 enhancer GRCh37_chr15:30010173-30011372; plus strand). Cytogenetic location: 15q13.1.
Variant type: single nucleotide variant.
Coding change: c.3111G>C on transcript NM_001330239.4 (MANE Select); coding-DNA position 3111, G replaced by C.
Protein change: p.Leu1037=; no amino-acid change (leucine 1037 retained).
Molecular consequence: synonymous variant.
Genome position (GRCh38, 1-based): chr15:29,719,031, C>G on the plus strand (G>C on the coding strand, the complement: TJP1 is on the minus strand). VCF-style: chr15-29719031-C-G. GRCh37 (hg19) VCF-style: chr15-30011235-C-G.
Other names: c.3390G>C, p.Leu1130= (NM_001301025.3, NM_001355012.2); c.2883G>C, p.Leu961= (NM_001301026.2); c.3123G>C, p.Leu1041= (NM_001355013.1); c.3111G>C, p.Leu1037= (NM_001355014.2, NM_003257.5); c.2871G>C, p.Leu957= (NM_001355015.2, NM_175610.4).
Identifiers: ClinVar variation 3056383 (VCV003056383.2), dbSNP rs36012099, ClinGen allele CA7446857.